The following is an entry in ClinVar:

NM_080424.4(SP110):c.668-21A>C

Genes: SP140 (SP140 nuclear body protein; plus strand), SP110 (SP110 nuclear body protein; minus strand). Cytogenetic location: 2q37.1.
Variant type: single nucleotide variant.
Coding change: c.668-21A>C on transcript NM_080424.4 (MANE Select); 21 bases into the intron before coding-DNA position 668, A replaced by C.
Molecular consequence: intron variant.
Genome position (GRCh38, 1-based): chr2:230,211,574, T>G on the plus strand (A>C on the coding strand, the complement: SP110 is on the minus strand). VCF-style: chr2-230211574-T-G. GRCh37 (hg19) VCF-style: chr2-231076289-T-G.
Other names: c.686-21A>C (NM_001378446.1, NM_001378445.1, NM_001378442.1 and 2 more transcripts); c.668-21A>C (NM_004509.5, NM_001378443.1, NM_001378447.1 and 1 more transcripts).
Identifiers: ClinVar variation 1333151 (VCV001333151.5), dbSNP rs3820974, ClinGen allele CA2154764.

ClinVar aggregate classification (germline): Benign. Review status: criteria provided, multiple submitters, no conflicts (2 of 4 stars). 3 submissions from 3 submitters: Benign (3). Last evaluated 2024-01-24.

Conditions:
Hepatic veno-occlusive disease-immunodeficiency syndrome. Also called: Hepatic Veno-Occlusive Disease with Immunodeficiency. Identifiers: Orphanet 79124, MedGen C1856128, MONDO:0009338, OMIM 235550. Disease mechanism: loss of function.

Allele frequency attached by ClinVar (database versions not stated): ESP Exome Variant Server 0.47194; ExAC 0.47840; gnomAD 0.48767 and 0.48899; TOPMed 0.50527; 1000 Genomes Project 30x 0.54076; 1000 Genomes Project 0.54173.
gnomAD v4.1: 674,208 of 1,472,124 alleles (46%); highest among the groups gnomAD compares: East Asian, 70%; 157,209 homozygotes.

Submissions (3):

Unidad de Genómica Garrahan, Hospital de Pediatría Garrahan
Classification: Benign. Last evaluated: 2024-01-24. Review status: criteria provided, single submitter. Criteria: ACMG Guidelines, 2015. Collection method: clinical testing. Allele origin: germline. Affected: no. Observed: 84 variant alleles.
Comment: This variant is classified as Benign based on local population frequency. This variant was detected in 88% of patients studied by a panel of primary immunodeficiencies. Number of patients: 84. Only high quality variants are reported.

Genome-Nilou Lab
Classification: Benign for Hepatic veno-occlusive disease-immunodeficiency syndrome. Last evaluated: 2021-07-15. Review status: criteria provided, single submitter. Criteria: ACMG Guidelines, 2015. Collection method: clinical testing. Allele origin: germline. Affected: no.

Breakthrough Genomics
Classification: Benign. Review status: criteria provided, single submitter. Criteria: ACMG Guidelines, 2015. Collection method: not provided. Allele origin: germline. Inheritance: Autosomal recessive inheritance. Affected: yes.